The following is an entry in ClinVar:

NM_002907.4(RECQL):c.1667+5G>C

Gene: RECQL (RecQ like helicase; minus strand). Cytogenetic location: 12p12.1.
Variant type: single nucleotide variant.
Coding change: c.1667+5G>C on transcript NM_002907.4 (MANE Select); 5 bases into the intron after coding-DNA position 1667, G replaced by C.
Molecular consequence: intron variant.
Genome position (GRCh38, 1-based): chr12:21,471,423, C>G on the plus strand (G>C on the coding strand, the complement: RECQL is on the minus strand). VCF-style: chr12-21471423-C-G. GRCh37 (hg19) VCF-style: chr12-21624357-C-G.
Other names: c.1667+5G>C (NM_032941.3).
Identifiers: ClinVar variation 3572224 (VCV003572224.2).

ClinVar aggregate classification (germline): Uncertain significance. Review status: criteria provided, multiple submitters, no conflicts (2 of 4 stars). 2 submissions from 2 submitters: Uncertain significance (2). Last evaluated 2026-01-07.

Submissions (2):

Labcorp Genetics (formerly Invitae), Labcorp
Classification: Uncertain significance. Last evaluated: 2026-01-07. Review status: criteria provided, single submitter. Criteria: Invitae Variant Classification Sherloc (09022015). Collection method: clinical testing. Allele origin: germline.
Comment: This sequence change falls in intron 13 of the RECQL gene. It does not directly change the encoded amino acid sequence of the RECQL protein. It affects a nucleotide within the consensus splice site. This variant is not present in population databases (gnomAD no frequency). This variant has not been reported in the literature in individuals affected with RECQL-related conditions. ClinVar contains an entry for this variant (Variation ID: 3572224). Variants that disrupt the consensus splice site are a relatively common cause of aberrant splicing (PMID: 17576681, 9536098). Algorithms developed to predict the effect of sequence changes on RNA splicing suggest that this variant may disrupt the consensus splice site. In summary, the available evidence is currently insufficient to determine the role of this variant in disease. Therefore, it has been classified as a Variant of Uncertain Significance.

Quest Diagnostics Nichols Institute San Juan Capistrano
Classification: Uncertain significance. Last evaluated: 2024-04-08. Review status: criteria provided, single submitter. Criteria: Quest Diagnostics criteria. Collection method: clinical testing. Allele origin: unknown.
Comment: The RECQL c.1667+5G>C variant has not been reported in individuals with RECQL-related conditions in the published literature. It also has not been reported in large, multi-ethnic general populations (Genome Aggregation Database). Analysis of this variant using software algorithms for the prediction of the effect of nucleotide changes on splicing yielded predictions that this variant may affect proper RECQL mRNA splicing. Based on the available information, we are unable to determine the clinical significance of this variant.

Literature cited by the submitters: PubMed 17576681 (cited by Labcorp Genetics (formerly Invitae), Labcorp); PubMed 9536098 (cited by Labcorp Genetics (formerly Invitae), Labcorp).